The following is an entry in ClinVar:

NM_025099.6(CTC1):c.1196T>C (p.Val399Ala)

Gene: CTC1 (CST telomere replication complex component 1; minus strand). Cytogenetic location: 17p13.1.
Variant type: single nucleotide variant.
Coding change: c.1196T>C on transcript NM_025099.6 (MANE Select); coding-DNA position 1196, T replaced by C.
Protein change: p.Val399Ala; replaces valine 399 with alanine.
Molecular consequence: missense variant. On other transcripts: non-coding transcript variant (1).
Genome position (GRCh38, 1-based): chr17:8,235,841, A>G on the plus strand (T>C on the coding strand, the complement: CTC1 is on the minus strand). VCF-style: chr17-8235841-A-G. GRCh37 (hg19) VCF-style: chr17-8139159-A-G.
Other names: c.1196T>C, p.Val399Ala (NM_001411067.1); short protein forms V399A.
Identifiers: ClinVar variation 2164400 (VCV002164400.4), dbSNP rs1175145979, ClinGen allele CA397986566.

ClinVar aggregate classification (germline): Uncertain significance (1 of 4 stars; one submission).

Conditions:
Dyskeratosis congenita. Identifiers: Orphanet 1775, MedGen C0265965, MONDO:0015780.

Allele frequency attached by ClinVar (database versions not stated): gnomAD exomes below 0.00001; TOPMed below 0.00001; gnomAD 0.00001.
gnomAD v4.1: 7 of 1,608,442 alleles (0.00044%); highest among the groups gnomAD compares: Non-Finnish European, 0.0006%; no homozygotes.

Submission:

Labcorp Genetics (formerly Invitae), Labcorp
Classification: Uncertain significance for Dyskeratosis congenita. Last evaluated: 2024-02-17. Review status: criteria provided, single submitter. Criteria: Invitae Variant Classification Sherloc (09022015). Collection method: clinical testing. Allele origin: germline.
Comment: This sequence change replaces valine, which is neutral and non-polar, with alanine, which is neutral and non-polar, at codon 399 of the CTC1 protein (p.Val399Ala). This variant is not present in population databases (gnomAD no frequency). This variant has not been reported in the literature in individuals affected with CTC1-related conditions. ClinVar contains an entry for this variant (Variation ID: 2164400). Advanced modeling of protein sequence and biophysical properties (such as structural, functional, and spatial information, amino acid conservation, physicochemical variation, residue mobility, and thermodynamic stability) performed at Invitae indicates that this missense variant is not expected to disrupt CTC1 protein function with a negative predictive value of 80%. In summary, the available evidence is currently insufficient to determine the role of this variant in disease. Therefore, it has been classified as a Variant of Uncertain Significance.